The following is an entry in ClinVar:

NM_003072.5(SMARCA4):c.860-43C>T

Gene: SMARCA4 (SWI/SNF related BAF chromatin remodeling complex subunit ATPase 4; plus strand). Cytogenetic location: 19p13.2.
Variant type: single nucleotide variant.
Coding change: c.860-43C>T on transcript NM_003072.5 (MANE Select); 43 bases into the intron before coding-DNA position 860, C replaced by T.
Molecular consequence: intron variant.
Genome position (GRCh38, 1-based): chr19:10,987,623, C>T. VCF-style: chr19-10987623-C-T. GRCh37 (hg19) VCF-style: chr19-11098299-C-T.
Other names: c.860-43C>T (NM_001387283.1, NM_001411150.1, NM_001374457.1 and 6 more transcripts).
Identifiers: ClinVar variation 4883666 (VCV004883666.2).

ClinVar aggregate classification (germline): Uncertain significance (1 of 4 stars; one submission).

gnomAD v4.1: 2 of 1,611,214 alleles (0.00012%); highest among the groups gnomAD compares: African/African-American, 0.0027%; no homozygotes.

Submission:

Dasa
Classification: Uncertain significance. Last evaluated: 2025-11-19. Review status: criteria provided, single submitter. Criteria: DASA Assertion Criteria. Collection method: clinical testing. Allele origin: germline.
Comment: NM_003072.5(SMARCA4):c.860-43C>T is an intronic variant. This variant is rare in population databases. The currently available literature and clinical evidence are not sufficient to establish a definitive association between this variant and the reported condition. Therefore, this variant is classified as a variant of uncertain significance.